The following is an entry in ClinVar:

NM_001754.5(RUNX1):c.1180G>A (p.Gly394Ser)

Gene: RUNX1 (RUNX family transcription factor 1; minus strand). Cytogenetic location: 21q22.12.
Variant type: single nucleotide variant.
Coding change: c.1180G>A on transcript NM_001754.5 (MANE Select); coding-DNA position 1180, G replaced by A.
Protein change: p.Gly394Ser; replaces glycine 394 with serine.
Molecular consequence: missense variant.
Genome position (GRCh38, 1-based): chr21:34,792,398, C>T on the plus strand (G>A on the coding strand, the complement: RUNX1 is on the minus strand). VCF-style: chr21-34792398-C-T. GRCh37 (hg19) VCF-style: chr21-36164695-C-T.
Other names: NM_001754.5(RUNX1):c.1180G>A; p.Gly394Ser; c.1099G>A, p.Gly367Ser (NM_001001890.3); short protein forms G367S, G394S.
Identifiers: ClinVar variation 856424 (VCV000856424.12), dbSNP rs2056455422, ClinGen allele CA410147848.
Genomic context (GRCh38, chr21:34,792,398, plus strand): 5'-AGGAGCCGGCCGAGGCGCCGTAGTACAGGTGGTAGGAGGGCGAGCTGGCTTGGAACGGGC[C>T]TCCCTGCGCTTGCGACGAGCCGGGGTAGGGCGGCGGCAGGTAGGTGTGGTAGCGCGTGGC-3'
Protein context (NP_001745.2, residues 384-404): PYPGSSQAQG[Gly394Ser]PFQASSPSYH

ClinVar aggregate classification (germline): Uncertain significance. Review status: reviewed by expert panel (3 of 4 stars). 6 submissions from 6 submitters: Uncertain significance (1). 5 of the submissions do not count toward it. Last evaluated 2024-07-11.

Conditions:
Hereditary thrombocytopenia and hematological cancer predisposition syndrome associated with RUNX1. Also called: RUNX1 Familial Platelet Disorder with Associated Myeloid Malignancies; PLATELET DISORDER, ASPIRIN-LIKE; Familial thrombocytopenia with propensity to acute myelogenous leukemia; Familial Platelet Disorder with Propensity to Acute Myelogenous Leukemia. Identifiers: Orphanet 71290, MedGen C1832388, MeSH C563324, MONDO:0100083, OMIM 601399.
Hereditary thrombocytopenia and hematologic cancer predisposition syndrome. Identifiers: Orphanet 71290, MedGen CN281654, MONDO:0011071.
Inborn genetic diseases. Identifiers: MedGen C0950123, MeSH D030342.
Acute myeloid leukemia (AML). Also called: Leukemia, acute myeloid, somatic; Leukemia, acute myelogenous, somatic; Acute myeloid leukemia, adult; AML adult; Acute non-lymphocytic leukemia; Acute granulocytic leukemia. Identifiers: Orphanet 519, MedGen C0023467, MeSH D015470, MONDO:0018874, OMIM 601626, HP:0004808. Disease mechanism: Constitutively activated FLT3.

Allele frequency attached by ClinVar (database versions not stated): TOPMed below 0.00001.
gnomAD v4.1: 2 of 1,566,316 alleles (0.00013%); highest among the groups gnomAD compares: Non-Finnish European, 0.00017%; no homozygotes.

Submissions (6):

ClinGen Myeloid Malignancy Variant Curation Expert Panel
Classification: Uncertain significance for Hereditary thrombocytopenia and hematologic cancer predisposition syndrome. Last evaluated: 2024-07-11. Review status: reviewed by expert panel. Criteria: ClinGen MyeloMalig ACMG Specifications v2. Collection method: curation. Allele origin: germline. Inheritance: Autosomal dominant inheritance.
Comment: NM_001754.5(RUNX1):c.1180G>A (p.Gly394Ser) is a missense variant which does not meet any ACMG/AMP criteria. In summary, the clinical significance of this variant is uncertain. ACMG/AMP criteria applied, as specified by the Myeloid Malignancy Variant Curation Expert Panel for RUNX1: None

St. Jude Molecular Pathology, St. Jude Children's Research Hospital
Classification: Uncertain significance for Hereditary thrombocytopenia and hematological cancer predisposition syndrome associated with RUNX1. Last evaluated: 2026-10-01. Review status: criteria provided, single submitter. Criteria: St. Jude Assertion Criteria 2020. Collection method: clinical testing. Allele origin: germline. Not counted in ClinVar's aggregate classification.
Comment: The RUNX1 c.1180G>A p.(Gly394Ser) missense change is absent in gnomAD v2.1.1 (. org). The in silico tool REVEL predicts a benign effect on protein function, but to our knowledge this prediction has not been confirmed by functional studies. To our knowledge, this variant has not been reported in individuals with familial platelet dis order with associated myeloid malignancy. In summary, the evidence currently available is insufficient to determine the clinical significance of this variant. It has therefore been classified as of uncertain significance.

Ambry Genetics
Classification: Likely benign for Inborn genetic diseases. Last evaluated: 2025-10-02. Review status: criteria provided, single submitter. Criteria: Ambry Variant Classification Scheme 2023. Collection method: clinical testing. Allele origin: germline. Not counted in ClinVar's aggregate classification.

Fulgent Genetics
Classification: Uncertain significance for Hereditary thrombocytopenia and hematological cancer predisposition syndrome associated with RUNX1; Acute myeloid leukemia. Last evaluated: 2024-05-01. Review status: criteria provided, single submitter. Criteria: ACMG Guidelines, 2015. Collection method: clinical testing. Allele origin: germline. Not counted in ClinVar's aggregate classification.

Baylor Genetics
Classification: Uncertain significance for Acute myeloid leukemia. Last evaluated: 2023-10-13. Review status: criteria provided, single submitter. Criteria: ACMG Guidelines, 2015. Collection method: clinical testing. Allele origin: unknown. Not counted in ClinVar's aggregate classification.

Labcorp Genetics (formerly Invitae), Labcorp
Classification: Uncertain significance for Hereditary thrombocytopenia and hematological cancer predisposition syndrome associated with RUNX1. Last evaluated: 2023-08-17. Review status: criteria provided, single submitter. Criteria: Invitae Variant Classification Sherloc (09022015). Collection method: clinical testing. Allele origin: germline. Not counted in ClinVar's aggregate classification.
Comment: This sequence change replaces glycine, which is neutral and non-polar, with serine, which is neutral and polar, at codon 394 of the RUNX1 protein (p.Gly394Ser). In summary, the available evidence is currently insufficient to determine the role of this variant in disease. Therefore, it has been classified as a Variant of Uncertain Significance. Advanced modeling of protein sequence and biophysical properties (such as structural, functional, and spatial information, amino acid conservation, physicochemical variation, residue mobility, and thermodynamic stability) performed at Invitae indicates that this missense variant is not expected to disrupt RUNX1 protein function. ClinVar contains an entry for this variant (Variation ID: 856424). This variant has not been reported in the literature in individuals affected with RUNX1-related conditions. This variant is not present in population databases (gnomAD no frequency).